The following is an entry in ClinVar:

ClinVar aggregate classification (germline): Uncertain significance. Review status: criteria provided, multiple submitters, no conflicts (2 of 4 stars). 2 submissions from 2 submitters: Uncertain significance (2). Last evaluated 2025-10-17.

Conditions:
ATP10A-related disorder. Also called: ATP10A-related condition.

Allele frequency attached by ClinVar (database versions not stated): gnomAD exomes below 0.00001; TOPMed 0.00001.
gnomAD v4.1: 1 of 1,609,730 alleles (0.000062%); highest among the groups gnomAD compares: Non-Finnish European, 0.000085%; no homozygotes.

Submissions (2):

PreventionGenetics, part of Exact Sciences
Classification: Uncertain significance for ATP10A-related condition. Last evaluated: 2025-10-17. Review status: criteria provided, single submitter. Criteria: ACMG Guidelines, 2015. Collection method: clinical testing. Allele origin: germline.
Comment: The ATP10A c.2770G>T variant is predicted to result in the amino acid substitution p.Ala924Ser. To our knowledge, this variant has not been reported in the literature or in a large population database, indicating it is rare. At this time, the clinical significance of this variant is uncertain due to the absence of conclusive functional and genetic evidence.

Ambry Genetics
Classification: Uncertain significance. Last evaluated: 2023-03-17. Review status: criteria provided, single submitter. Criteria: Ambry Variant Classification Scheme 2023. Collection method: clinical testing. Allele origin: germline.

NM_024490.4(ATP10A):c.2770G>T (p.Ala924Ser)

Gene: ATP10A (ATPase phospholipid transporting 10A (putative); minus strand). Cytogenetic location: 15q12.
Variant type: single nucleotide variant.
Coding change: c.2770G>T on transcript NM_024490.4 (MANE Select); coding-DNA position 2770, G replaced by T.
Protein change: p.Ala924Ser; replaces alanine 924 with serine.
Molecular consequence: missense variant.
Genome position (GRCh38, 1-based): chr15:25,695,137, C>A on the plus strand (G>T on the coding strand, the complement: ATP10A is on the minus strand). VCF-style: chr15-25695137-C-A. GRCh37 (hg19) VCF-style: chr15-25940284-C-A.
Other names: short protein forms A924S.
Identifiers: ClinVar variation 2526285 (VCV002526285.3), dbSNP rs1423592656, ClinGen allele CA391364749.